The following is an entry in ClinVar:

ClinVar aggregate classification (germline): Uncertain significance (1 of 4 stars; one submission).

Allele frequency attached by ClinVar (database versions not stated): gnomAD exomes 0.00001.
gnomAD v4.1: 10 of 1,613,236 alleles (0.00062%); highest among the groups gnomAD compares: Non-Finnish European, 0.00085%; no homozygotes.

Submission:

Labcorp Genetics (formerly Invitae), Labcorp
Classification: Uncertain significance. Last evaluated: 2024-02-17. Review status: criteria provided, single submitter. Criteria: Invitae Variant Classification Sherloc (09022015). Collection method: clinical testing. Allele origin: germline.
Comment: This sequence change replaces glutamine, which is neutral and polar, with arginine, which is basic and polar, at codon 681 of the CARMIL2 protein (p.Gln681Arg). This variant is not present in population databases (gnomAD no frequency). This variant has not been reported in the literature in individuals affected with CARMIL2-related conditions. ClinVar contains an entry for this variant (Variation ID: 1911611). Advanced modeling of protein sequence and biophysical properties (such as structural, functional, and spatial information, amino acid conservation, physicochemical variation, residue mobility, and thermodynamic stability) performed at Invitae indicates that this missense variant is not expected to disrupt CARMIL2 protein function with a negative predictive value of 80%. In summary, the available evidence is currently insufficient to determine the role of this variant in disease. Therefore, it has been classified as a Variant of Uncertain Significance.

NM_001013838.3(CARMIL2):c.2042A>G (p.Gln681Arg)

Gene: CARMIL2 (capping protein regulator and myosin 1 linker 2; plus strand). Cytogenetic location: 16q22.1.
Variant type: single nucleotide variant.
Coding change: c.2042A>G on transcript NM_001013838.3 (MANE Select); coding-DNA position 2042, A replaced by G.
Protein change: p.Gln681Arg; replaces glutamine 681 with arginine.
Molecular consequence: missense variant.
Genome position (GRCh38, 1-based): chr16:67,649,928, A>G. VCF-style: chr16-67649928-A-G. GRCh37 (hg19) VCF-style: chr16-67683831-A-G.
Other names: c.1934A>G, p.Gln645Arg (NM_001317026.3); short protein forms Q681R, Q645R.
Identifiers: ClinVar variation 1911611 (VCV001911611.5), dbSNP rs2052690120, ClinGen allele CA396339756.